The following is an entry in ClinVar:

NM_005051.3(QARS1):c.1781A>C (p.Asn594Thr)

Gene: QARS1 (glutaminyl-tRNA synthetase 1; minus strand). Cytogenetic location: 3p21.31.
Variant type: single nucleotide variant.
Coding change: c.1781A>C on transcript NM_005051.3 (MANE Select); coding-DNA position 1781, A replaced by C.
Protein change: p.Asn594Thr; replaces asparagine 594 with threonine.
Molecular consequence: missense variant. On other transcripts: non-coding transcript variant (1).
Genome position (GRCh38, 1-based): chr3:49,098,967, T>G on the plus strand (A>C on the coding strand, the complement: QARS1 is on the minus strand). VCF-style: chr3-49098967-T-G. GRCh37 (hg19) VCF-style: chr3-49136400-T-G.
Other names: c.1748A>C, p.Asn583Thr (NM_001272073.2); c.1781A>C (NM_005051.1); short protein forms N594T, N583T.
Identifiers: ClinVar variation 577930 (VCV000577930.4), dbSNP rs372524045, ClinGen allele CA2391638.

ClinVar aggregate classification (germline): Uncertain significance. Review status: criteria provided, multiple submitters, no conflicts (2 of 4 stars). 2 submissions from 2 submitters: Uncertain significance (2). Last evaluated 2023-08-02.

Conditions:
Inborn genetic diseases. Identifiers: MedGen C0950123, MeSH D030342.

Allele frequency attached by ClinVar (database versions not stated): ESP Exome Variant Server 0.00008; TOPMed 0.00013.
gnomAD v4.1: 21 of 1,614,018 alleles (0.0013%); highest among the groups gnomAD compares: African/African-American, 0.028%; no homozygotes.

Submissions (2):

Ambry Genetics
Classification: Uncertain significance for Inborn genetic diseases. Last evaluated: 2023-08-02. Review status: criteria provided, single submitter. Criteria: Ambry Variant Classification Scheme 2023. Collection method: clinical testing. Allele origin: germline.

Labcorp Genetics (formerly Invitae), Labcorp
Classification: Uncertain significance. Last evaluated: 2021-09-21. Review status: criteria provided, single submitter. Criteria: Invitae Variant Classification Sherloc (09022015). Collection method: clinical testing. Allele origin: germline.
Comment: This sequence change replaces asparagine with threonine at codon 594 of the QARS protein (p.Asn594Thr). The asparagine residue is moderately conserved and there is a small physicochemical difference between asparagine and threonine. This variant is present in population databases (rs372524045, ExAC 0.03%). This variant has not been reported in the literature in individuals affected with QARS-related conditions. ClinVar contains an entry for this variant (Variation ID: 577930). Algorithms developed to predict the effect of missense changes on protein structure and function (SIFT, PolyPhen-2, Align-GVGD) all suggest that this variant is likely to be tolerated. In summary, the available evidence is currently insufficient to determine the role of this variant in disease. Therefore, it has been classified as a Variant of Uncertain Significance.